The following is an entry in ClinVar:

ClinVar aggregate classification (germline): Likely benign. Review status: criteria provided, multiple submitters, no conflicts (2 of 4 stars). 2 submissions from 2 submitters: Likely benign (2). Last evaluated 2026-09-01.

Conditions:
Congenital myopathy with internal nuclei and atypical cores. Also called: Myopathy, centronuclear, 4. Identifiers: Orphanet 319160, MedGen C4707232, MONDO:0013890, OMIM 614807.

Allele frequency attached by ClinVar (database versions not stated): gnomAD 0.00001; TOPMed 0.00001; gnomAD exomes 0.00002.
gnomAD v4.1: 29 of 1,607,558 alleles (0.0018%); highest among the groups gnomAD compares: Non-Finnish European, 0.0025%; no homozygotes.

Submissions (2):

CeGaT Center for Human Genetics Tuebingen
Classification: Likely benign. Last evaluated: 2026-09-01. Review status: criteria provided, single submitter. Criteria: CeGaT Center For Human Genetics Tuebingen Variant Classification Criteria Version 2. Collection method: clinical testing. Allele origin: germline. Affected: yes. Observed: 1 variant allele.
Comment: CCDC78: BP4, BP7

Labcorp Genetics (formerly Invitae), Labcorp
Classification: Likely benign for Congenital myopathy with internal nuclei and atypical cores. Last evaluated: 2023-11-06. Review status: criteria provided, single submitter. Criteria: Invitae Variant Classification Sherloc (09022015). Collection method: clinical testing. Allele origin: germline.

NM_001378030.1(CCDC78):c.441G>A (p.Gln147=)

Gene: CCDC78 (coiled-coil domain containing 78; minus strand). Cytogenetic location: 16p13.3.
Variant type: single nucleotide variant.
Coding change: c.441G>A on transcript NM_001378030.1 (MANE Select); coding-DNA position 441, G replaced by A.
Protein change: p.Gln147=; no amino-acid change (glutamine 147 retained).
Molecular consequence: synonymous variant. On other transcripts: 5 prime UTR variant (1), non-coding transcript variant (5).
Genome position (GRCh38, 1-based): chr16:725,288, C>T on the plus strand (G>A on the coding strand, the complement: CCDC78 is on the minus strand). VCF-style: chr16-725288-C-T. GRCh37 (hg19) VCF-style: chr16-775288-C-T.
Other names: c.441G>A, p.Gln147= (NM_001031737.3, NM_001378031.1); c.-13G>A (NM_001378033.1).
Identifiers: ClinVar variation 2803751 (VCV002803751.4), dbSNP rs1216907943, ClinGen allele CA493013547.